The following is an entry in ClinVar:

ClinVar aggregate classification (germline): Likely pathogenic (1 of 4 stars; one submission).

Conditions:
Wilson disease (WND). Also called: Wilson's disease. Identifiers: Orphanet 905, MedGen C0019202, MONDO:0010200, OMIM 277900. Disease mechanism: loss of function.

Submission:

Women's Health and Genetics/Laboratory Corporation of America, LabCorp
Classification: Likely pathogenic for Wilson disease. Last evaluated: 2024-04-17. Review status: criteria provided, single submitter. Criteria: LabCorp Variant Classification Summary - May 2015. Collection method: clinical testing. Allele origin: germline.
Comment: Variant summary: ATP7B c.3007_3009delinsACA (p.Ala1003Thr) results in a non-conservative amino acid change in the encoded protein sequence. Four of five in-silico tools predict a damaging effect of the variant on protein function. The variant was found at a frequency of 8.3e-6 in 240334 control chromosomes (gnomAD). To our knowledge, no occurrence of c.3007_3009delinsACA in individuals affected with Wilson Disease and no experimental evidence demonstrating its impact on protein function have been reported. A different variant resulting in the same amino acid consequence has been classified as pathogenic by our lab (c.3007G>A), supporting the pathogenicity of this variant. No submitters have cited clinical-significance assessments for this variant to ClinVar. Based on the evidence outlined above, the variant was classified as likely pathogenic.

NM_000053.4(ATP7B):c.3007_3009delinsACA (p.Ala1003Thr)

Gene: ATP7B (ATPase copper transporting beta; minus strand). Cytogenetic location: 13q14.3.
Variant type: Indel.
Coding change: c.3007_3009delinsACA on transcript NM_000053.4 (MANE Select); coding-DNA positions 3007 to 3009, GCG replaced by ACA.
Protein change: p.Ala1003Thr; replaces alanine 1003 with threonine.
Molecular consequence: missense variant. On other transcripts: intron variant (6).
Genome position (GRCh38, 1-based): chr13:51,946,335-51,946,337, CGC replaced by TGT on the plus strand (GCG replaced by ACA on the coding strand, the reverse complement: ATP7B is on the minus strand). VCF-style: chr13-51946335-CGC-TGT. GRCh37 (hg19) VCF-style: chr13-52520471-CGC-TGT.
Other names: c.2386_2388delinsACA, p.Ala796Thr (NM_001005918.3); c.2674_2676delinsACA, p.Ala892Thr (NM_001243182.2); c.2773_2775delinsACA, p.Ala925Thr (NM_001330578.2, NM_001406527.1, NM_001406528.1 and 1 more transcripts); c.2755_2757delinsACA, p.Ala919Thr (NM_001330579.2, NM_001406531.1, NM_001406532.1); c.3007_3009delinsACA, p.Ala1003Thr (NM_001406511.1, NM_001406512.1, NM_001406513.1 and 2 more transcripts); c.2974_2976delinsACA, p.Ala992Thr (NM_001406514.1); c.2953_2955delinsACA, p.Ala985Thr (NM_001406515.1, NM_001406516.1); c.2911_2913delinsACA, p.Ala971Thr (NM_001406517.1, NM_001406518.1); and 18 more; short protein forms A992T, A1003T, A573T, A787T, A796T, A809T, A841T, A860T.
Identifiers: ClinVar variation 3251922 (VCV003251922.1), dbSNP rs2547645844.